The following is an entry in ClinVar:

NM_001145346.2(RBMXL3):c.1191_1192insAACGCCCACAGTGGAGGCCGCTCGCCC (p.Pro397_Asp398insAsnAlaHisSerGlyGlyArgSerPro)

Genes: LRCH2 (leucine rich repeats and calponin homology domain containing 2; minus strand), RBMXL3 (RBMX like 3; plus strand). Cytogenetic location: Xq23.
Variant type: Insertion.
Coding change: c.1191_1192insAACGCCCACAGTGGAGGCCGCTCGCCC on transcript NM_001145346.2 (MANE Select); coding-DNA positions 1191 to 1192, AACGCCCACAGTGGAGGCCGCTCGCCC inserted.
Protein change: p.Pro397_Asp398insAsnAlaHisSerGlyGlyArgSerPro.
Molecular consequence: inframe insertion. On other transcripts: intron variant (2).
Genome position: GRCh38 VCF-style: chrX-115190618-A-AGAGGCCGCTCGCCCAACGCCCACAGTG. GRCh37 (hg19) VCF-style: chrX-114425181-A-AGAGGCCGCTCGCCCAACGCCCACAGTG.
Other names: c.350-2249_350-2248insGGGCGAGCGGCCTCCACTGTGGGCGTT (NM_001243963.2, NM_020871.4).
Identifiers: ClinVar variation 2661233 (VCV002661233.24), dbSNP rs782097222, ClinGen allele CA10496241.

ClinVar aggregate classification (germline): Likely benign (1 of 4 stars; one submission).

Submission:

CeGaT Center for Human Genetics Tuebingen
Classification: Likely benign. Last evaluated: 2022-12-01. Review status: criteria provided, single submitter. Criteria: CeGaT Center For Human Genetics Tuebingen Variant Classification Criteria Version 2. Collection method: clinical testing. Allele origin: germline. Affected: yes. Observed: 1 variant allele.
Comment: LRCH2: BS2; RBMXL3: BS2